The following is an entry in ClinVar:

ClinVar aggregate classification (germline): Uncertain significance. Review status: criteria provided, multiple submitters, no conflicts (2 of 4 stars). 2 submissions from 2 submitters: Uncertain significance (2). Last evaluated 2024-03-19.

Conditions:
Inborn genetic diseases. Identifiers: MedGen C0950123, MeSH D030342.
Spastic paraplegia. Identifiers: MedGen C0037772, HP:0001258.

Allele frequency attached by ClinVar (database versions not stated): gnomAD exomes 0.00001; ExAC 0.00006; 1000 Genomes Project 0.00020; ESP Exome Variant Server 0.00023; gnomAD 0.00024; TOPMed 0.00024; 1000 Genomes Project 30x 0.00031.
gnomAD v4.1: 60 of 1,613,888 alleles (0.0037%); highest among the groups gnomAD compares: African/African-American, 0.075%; no homozygotes.

Submissions (2):

Ambry Genetics
Classification: Uncertain significance for Inborn genetic diseases. Last evaluated: 2024-03-19. Review status: criteria provided, single submitter. Criteria: Ambry Variant Classification Scheme 2023. Collection method: clinical testing. Allele origin: germline.

Labcorp Genetics (formerly Invitae), Labcorp
Classification: Uncertain significance for Spastic paraplegia. Last evaluated: 2022-06-24. Review status: criteria provided, single submitter. Criteria: Invitae Variant Classification Sherloc (09022015). Collection method: clinical testing. Allele origin: germline.
Comment: This sequence change replaces serine, which is neutral and polar, with proline, which is neutral and non-polar, at codon 824 of the ZFYVE26 protein (p.Ser824Pro). This variant is present in population databases (rs150387113, gnomAD 0.06%). This variant has not been reported in the literature in individuals affected with ZFYVE26-related conditions. Algorithms developed to predict the effect of missense changes on protein structure and function output the following: SIFT: "Tolerated"; PolyPhen-2: "Benign"; Align-GVGD: "Class C0". The proline amino acid residue is found in multiple mammalian species, which suggests that this missense change does not adversely affect protein function. In summary, the available evidence is currently insufficient to determine the role of this variant in disease. Therefore, it has been classified as a Variant of Uncertain Significance.

NM_015346.4(ZFYVE26):c.2470T>C (p.Ser824Pro)

Gene: ZFYVE26 (zinc finger FYVE-type containing 26; minus strand). Cytogenetic location: 14q24.1.
Variant type: single nucleotide variant.
Coding change: c.2470T>C on transcript NM_015346.4 (MANE Select); coding-DNA position 2470, T replaced by C.
Protein change: p.Ser824Pro; replaces serine 824 with proline.
Molecular consequence: missense variant.
Genome position (GRCh38, 1-based): chr14:67,793,691, A>G on the plus strand (T>C on the coding strand, the complement: ZFYVE26 is on the minus strand). VCF-style: chr14-67793691-A-G. GRCh37 (hg19) VCF-style: chr14-68260408-A-G.
Other names: c.2470T>C (NM_015346.3); short protein forms S824P.
Identifiers: ClinVar variation 2060672 (VCV002060672.2), dbSNP rs150387113, ClinGen allele CA7240268.